The following is an entry in ClinVar:

ClinVar aggregate classification (germline): Benign/Likely benign. Review status: criteria provided, multiple submitters, no conflicts (2 of 4 stars). 2 submissions from 2 submitters: Benign (1); Likely benign (1). Last evaluated 2025-04-10.

Conditions:
Tuberous sclerosis 1 (TSC1). Identifiers: Orphanet 805, MedGen C1854465, MONDO:0008612, OMIM 191100.

Submissions (2):

Myriad Genetics, Inc.
Classification: Benign for Tuberous sclerosis 1. Last evaluated: 2025-04-10. Review status: criteria provided, single submitter. Criteria: Myriad Autosomal Dominant, Autosomal Recessive and X-Linked Classification Criteria (2023). Collection method: clinical testing. Allele origin: unknown.
Comment: This variant is considered benign. This variant is a silent/synonymous amino acid change and it is not expected to impact splicing.

Labcorp Genetics (formerly Invitae), Labcorp
Classification: Likely benign for Tuberous sclerosis 1. Last evaluated: 2023-05-09. Review status: criteria provided, single submitter. Criteria: Invitae Variant Classification Sherloc (09022015). Collection method: clinical testing. Allele origin: germline.

NM_000368.5(TSC1):c.1773G>C (p.Pro591=)

Gene: TSC1 (TSC complex subunit 1; minus strand). Cytogenetic location: 9q34.13.
Variant type: single nucleotide variant.
Coding change: c.1773G>C on transcript NM_000368.5 (MANE Select); coding-DNA position 1773, G replaced by C.
Protein change: p.Pro591=; no amino-acid change (proline 591 retained).
Molecular consequence: synonymous variant. On other transcripts: non-coding transcript variant (5).
Genome position (GRCh38, 1-based): chr9:132,905,805, C>G on the plus strand (G>C on the coding strand, the complement: TSC1 is on the minus strand). VCF-style: chr9-132905805-C-G. GRCh37 (hg19) VCF-style: chr9-135781192-C-G.
Other names: c.1770G>C, p.Pro590= (NM_001162426.2, NM_001406597.1, NM_001406598.1 and 6 more transcripts); c.1620G>C, p.Pro540= (NM_001162427.2, NM_001406610.1); c.1410G>C, p.Pro470= (NM_001362177.2, NM_001406614.1, NM_001406615.1 and 5 more transcripts); c.1773G>C, p.Pro591= (NM_001406592.1, NM_001406593.1, NM_001406594.1 and 7 more transcripts); c.1617G>C, p.Pro539= (NM_001406611.1, NM_001406612.1, NM_001406613.1); c.1407G>C, p.Pro469= (NM_001406620.1, NM_001406621.1, NM_001406622.1 and 2 more transcripts); c.822G>C, p.Pro274= (NM_001406626.1); c.819G>C, p.Pro273= (NM_001406627.1, NM_001406628.1); and 1 more.
Identifiers: ClinVar variation 2899285 (VCV002899285.4), dbSNP rs146578402, ClinGen allele CA467813263.